The following is an entry in ClinVar:

NM_001366723.1(GRIP1):c.56G>C (p.Gly19Ala)

Gene: GRIP1 (glutamate receptor interacting protein 1; minus strand). Cytogenetic location: 12q14.3.
Variant type: single nucleotide variant.
Coding change: c.56G>C on transcript NM_001366723.1; coding-DNA position 56, G replaced by C.
Protein change: p.Gly19Ala; replaces glycine 19 with alanine.
Molecular consequence: missense variant. On other transcripts: intron variant (4).
Genome position (GRCh38, 1-based): chr12:66,804,130, C>G on the plus strand (G>C on the coding strand, the complement: GRIP1 is on the minus strand). VCF-style: chr12-66804130-C-G. GRCh37 (hg19) VCF-style: chr12-67197910-C-G.
Other names: c.56G>C, p.Gly19Ala (NM_001379348.1, NM_001366724.1, NM_001379345.1 and 1 more transcripts); c.59-207203G>C (NM_001379351.1, NM_001379349.1, NM_001439323.1 and 1 more transcripts); short protein forms G19A.
Identifiers: ClinVar variation 3030046 (VCV003030046.2), dbSNP rs113155980, ClinGen allele CA6674800.

ClinVar aggregate classification (germline): Benign (0 of 4 stars; one submission).

Conditions:
GRIP1-related disorder. Also called: GRIP1-related condition.

Allele frequency attached by ClinVar (database versions not stated): gnomAD 0.01177; 1000 Genomes Project 30x 0.01234; TOPMed 0.01346; ExAC 0.00103; gnomAD exomes 0.00152; 1000 Genomes Project 0.01278.
gnomAD v4.1: 2,248 of 455,842 alleles (0.49%); highest among the groups gnomAD compares: African/African-American, 4%; 50 homozygotes.

Submission:

PreventionGenetics, part of Exact Sciences
Classification: Benign for GRIP1-related condition. Last evaluated: 2023-05-22. Review status: no assertion criteria provided. Collection method: clinical testing. Allele origin: germline.
Comment: This variant is classified as benign based on ACMG/AMP sequence variant interpretation guidelines (Richards et al. 2015 PMID: 25741868, with internal and published modifications).